The following is an entry in ClinVar:

NM_001330700.2(TOP2B):c.175A>T (p.Thr59Ser)

Gene: TOP2B (DNA topoisomerase II beta; minus strand). Cytogenetic location: 3p24.2.
Variant type: single nucleotide variant.
Coding change: c.175A>T on transcript NM_001330700.2 (MANE Select); coding-DNA position 175, A replaced by T.
Protein change: p.Thr59Ser; replaces threonine 59 with serine.
Molecular consequence: missense variant.
Genome position (GRCh38, 1-based): chr3:25,645,365, T>A on the plus strand (A>T on the coding strand, the complement: TOP2B is on the minus strand). VCF-style: chr3-25645365-T-A. GRCh37 (hg19) VCF-style: chr3-25686856-T-A.
Other names: c.160A>T, p.Thr54Ser (NM_001068.3); short protein forms T59S, T54S.
Identifiers: ClinVar variation 2759920 (VCV002759920.3), dbSNP rs2470387941, ClinGen allele CA351914877.

ClinVar aggregate classification (germline): Uncertain significance (1 of 4 stars; one submission).

Submission:

Labcorp Genetics (formerly Invitae), Labcorp
Classification: Uncertain significance. Last evaluated: 2025-02-24. Review status: criteria provided, single submitter. Criteria: Invitae Variant Classification Sherloc (09022015). Collection method: clinical testing. Allele origin: germline.
Comment: This sequence change replaces threonine, which is neutral and polar, with serine, which is neutral and polar, at codon 54 of the TOP2B protein (p.Thr54Ser). This variant is not present in population databases (gnomAD no frequency). This variant has not been reported in the literature in individuals affected with TOP2B-related conditions. ClinVar contains an entry for this variant (Variation ID: 2759920). An algorithm developed to predict the effect of missense changes on protein structure and function (PolyPhen-2) suggests that this variant is likely to be tolerated. In summary, the available evidence is currently insufficient to determine the role of this variant in disease. Therefore, it has been classified as a Variant of Uncertain Significance.